The following is an entry in ClinVar:

ClinVar aggregate classification (germline): Conflicting classifications of pathogenicity. Review status: criteria provided, conflicting classifications (1 of 4 stars). 2 submissions from 2 submitters: Uncertain significance (1); Likely benign (1). Last evaluated 2025-01-27.

Conditions:
Complex neurodevelopmental disorder. Identifiers: Orphanet 528084, MedGen C5568766, MONDO:0100038.

Allele frequency attached by ClinVar (database versions not stated): gnomAD exomes 0.00002.
gnomAD v4.1: 17 of 1,533,736 alleles (0.0011%); highest among the groups gnomAD compares: Non-Finnish European, 0.0013%; no homozygotes.

Submissions (2):

Labcorp Genetics (formerly Invitae), Labcorp
Classification: Likely benign. Last evaluated: 2025-01-27. Review status: criteria provided, single submitter. Criteria: Invitae Variant Classification Sherloc (09022015). Collection method: clinical testing. Allele origin: germline.

Molecular Genetics, Royal Melbourne Hospital
Classification: Uncertain significance for Complex neurodevelopmental disorder. Last evaluated: 2023-04-11. Review status: criteria provided, single submitter. Criteria: ACMG Guidelines, 2015. Collection method: clinical testing. Allele origin: germline. Affected: yes.
Comment: This sequence change in KMT2E is predicted to replace valine with alanine at codon 1710, p.(Val1710Ala). The valine residue is moderately conserved (100 vertebrates, UCSC), and is not located in an annotated domain. There is a moderate physicochemical difference between valine and alanine. This variant is absent from the population database gnomAD v2.1 and v3.1. To our knowledge, this variant has not been reported in the relevant scientific literature and has been reported in ClinVar (ID: 1974639). Computational evidence is uninformative for the missense substitution (REVEL = 0.336). Based on the classification scheme RMH Modified ACMG/AMP Guidelines v1.6.1, this variant is classified as a VARIANT OF UNCERTAIN SIGNIFICANCE. Following criteria are met: PM2_Supporting.

NM_182931.3(KMT2E):c.5129T>C (p.Val1710Ala)

Gene: KMT2E (lysine methyltransferase 2E (inactive); plus strand). Cytogenetic location: 7q22.3.
Variant type: single nucleotide variant.
Coding change: c.5129T>C on transcript NM_182931.3 (MANE Select); coding-DNA position 5129, T replaced by C.
Protein change: p.Val1710Ala; replaces valine 1710 with alanine.
Molecular consequence: missense variant.
Genome position (GRCh38, 1-based): chr7:105,112,885, T>C. VCF-style: chr7-105112885-T-C. GRCh37 (hg19) VCF-style: chr7-104753332-T-C.
Other names: c.5003T>C, p.Val1668Ala (NM_001410908.1); c.5129T>C, p.Val1710Ala (NM_018682.4); short protein forms V1668A, V1710A.
Identifiers: ClinVar variation 1974639 (VCV001974639.6), dbSNP rs2536527907, ClinGen allele CA368794299.